The following is an entry in ClinVar:

NM_000179.3(MSH6):c.4067_4068del (p.Leu1356fs)

Gene: MSH6 (mutS homolog 6; plus strand). Cytogenetic location: 2p16.3.
Variant type: Deletion.
Coding change: c.4067_4068del on transcript NM_000179.3 (MANE Select); coding-DNA positions 4067 to 4068, 2 bases deleted (TG; older notation c.4067_4068delTG).
Protein change: p.Leu1356fs; shifts the reading frame from leucine 1356.
Molecular consequence: frameshift variant.
Genome position (GRCh38, 1-based): chr2:47,806,844-47,806,845, TG deleted. VCF-style (leftmost placement, unchanged base first): chr2-47806843-TTG-T. GRCh37 (hg19) VCF-style: chr2-48033982-TTG-T.
Other names: c.3677_3678del, p.Leu1226fs (NM_001281492.2); c.3161_3162del, p.Leu1054fs (NM_001281493.2, NM_001281494.2); short protein forms L1356fs, L1054fs, L1226fs.
Identifiers: ClinVar variation 3387072 (VCV003387072.1), dbSNP rs2104584777.
Genomic context (GRCh38, chr2:47,806,843, plus strand): 5'-GTTTGCCTGGCTAGTGAAAGGTCAACTGTAGATGCTGAAGCTGTCCATAAATTGCTGACT[TTG>T]ATTAAGGAATTATAGACTGACTACATTGGAAGCTTTGAGTTGACTTCTGACAAAGGTGGT-3'

ClinVar aggregate classification (germline): Uncertain significance (1 of 4 stars; one submission).

Conditions:
Lynch syndrome. Identifiers: Orphanet 144, MedGen C4552100, MONDO:0005835. Disease mechanism: loss of function.

Submission:

All of Us Research Program, National Institutes of Health
Classification: Uncertain significance for Lynch syndrome. Last evaluated: 2024-07-29. Review status: criteria provided, single submitter. Criteria: ACMG Guidelines, 2015. Collection method: clinical testing. Allele origin: germline. Inheritance: Autosomal dominant inheritance. Observed: 1 variant allele, 1 heterozygote.
Comment: This variant deletes 2 nucleotides in exon 10 of the MSH6 gene, creating a frameshift and a premature translation stop signal in the last coding exon. This mutant transcript is predicted to escape nonsense-mediated decay and be expressed as a truncated protein impacting the last 5 amino acids. To our knowledge, this variant has not been reported in individuals affected with MSH6-related disorders in the literature. This variant has not been identified in the general population by the Genome Aggregation Database (gnomAD). While loss of MSH6 function is a known mechanism of disease, this truncating variant occurs in the last exon of the MSH6 gene with unknown functional consequence. The available evidence is insufficient to determine the role of this C-terminal truncation variant in disease conclusively. Therefore, this variant is classified as a Variant of Uncertain Significance.

This study involves interpretation of variants in research participants for the purpose of population health screening. Participant phenotype was not available at the time of variant classification. Additional details can be found in publication PMID: 35346344, PMCID: PMC8962531